The following is an entry in ClinVar:

NM_001128840.3(CACNA1D):c.4534A>T (p.Ile1512Phe)

Gene: CACNA1D (calcium voltage-gated channel subunit alpha1 D; plus strand). Cytogenetic location: 3p21.1.
Variant type: single nucleotide variant.
Coding change: c.4534A>T on transcript NM_001128840.3 (MANE Select); coding-DNA position 4534, A replaced by T.
Protein change: p.Ile1512Phe; replaces isoleucine 1512 with phenylalanine.
Molecular consequence: missense variant.
Genome position (GRCh38, 1-based): chr3:53,776,903, A>T. VCF-style: chr3-53776903-A-T. GRCh37 (hg19) VCF-style: chr3-53810930-A-T.
Other names: c.4594A>T, p.Ile1532Phe (NM_000720.4); c.4489A>T, p.Ile1497Phe (NM_001128839.3); short protein forms I1497F, I1512F, I1532F.
Identifiers: ClinVar variation 4282112 (VCV004282112.2).

ClinVar aggregate classification (germline): Uncertain significance (1 of 4 stars; one submission).

Submission:

GeneDx
Classification: Uncertain significance. Last evaluated: 2026-07-13. Review status: criteria provided, single submitter. Criteria: GeneDx Variant Classification Process June 2021. Collection method: clinical testing. Allele origin: germline.
Comment: Not observed at significant frequency in large population cohorts (gnomAD); In silico analysis supports that this missense variant has a deleterious effect on protein structure/function; Has not been previously published as pathogenic or benign to our knowledge